The following is an entry in ClinVar:

ClinVar aggregate classification (germline): Uncertain significance (1 of 4 stars; one submission).

Conditions:
Galactosylceramide beta-galactosidase deficiency. Also called: Leukodystrophy, Globoid Cell; GALACTOCEREBROSIDASE DEFICIENCY; GALC DEFICIENCY; GLOBOID CELL LEUKOENCEPHALOPATHY; Krabbe Disease. Identifiers: Orphanet 487, MedGen C0023521, MONDO:0009499, OMIM 245200.

Allele frequency attached by ClinVar (database versions not stated): gnomAD exomes below 0.00001; TOPMed below 0.00001; gnomAD 0.00001.
gnomAD v4.1: 7 of 1,613,236 alleles (0.00043%); highest among the groups gnomAD compares: East Asian, 0.013%; no homozygotes.

Submission:

Labcorp Genetics (formerly Invitae), Labcorp
Classification: Uncertain significance for Galactosylceramide beta-galactosidase deficiency. Last evaluated: 2022-03-24. Review status: criteria provided, single submitter. Criteria: Invitae Variant Classification Sherloc (09022015). Collection method: clinical testing. Allele origin: germline.
Comment: This sequence change replaces threonine, which is neutral and polar, with alanine, which is neutral and non-polar, at codon 684 of the GALC protein (p.Thr684Ala). This variant is present in population databases (no rsID available, gnomAD 0.006%). This variant has not been reported in the literature in individuals affected with GALC-related conditions. Advanced modeling of protein sequence and biophysical properties (such as structural, functional, and spatial information, amino acid conservation, physicochemical variation, residue mobility, and thermodynamic stability) performed at Invitae indicates that this missense variant is not expected to disrupt GALC protein function. In summary, the available evidence is currently insufficient to determine the role of this variant in disease. Therefore, it has been classified as a Variant of Uncertain Significance.

NM_000153.4(GALC):c.2050A>G (p.Thr684Ala)

Gene: GALC (galactosylceramidase; minus strand). Cytogenetic location: 14q31.3.
Variant type: single nucleotide variant.
Coding change: c.2050A>G on transcript NM_000153.4 (MANE Select); coding-DNA position 2050, A replaced by G.
Protein change: p.Thr684Ala; replaces threonine 684 with alanine.
Molecular consequence: missense variant.
Genome position (GRCh38, 1-based): chr14:87,934,740, T>C on the plus strand (A>G on the coding strand, the complement: GALC is on the minus strand). VCF-style: chr14-87934740-T-C. GRCh37 (hg19) VCF-style: chr14-88401084-T-C.
Other names: c.1981A>G, p.Thr661Ala (NM_001201401.2); c.1972A>G, p.Thr658Ala (NM_001201402.2); short protein forms T658A, T661A, T684A.
Identifiers: ClinVar variation 2145759 (VCV002145759.1), dbSNP rs1334231006, ClinGen allele CA390745081.